The following is an entry in ClinVar:

ClinVar aggregate classification (germline): Uncertain significance (1 of 4 stars; one submission).

Conditions:
Aicardi-Goutieres syndrome 7 (AGS7). Identifiers: Orphanet 51, MedGen C3888244, MONDO:0014367, OMIM 615846.
Singleton-Merten syndrome 1 (SGMRT1). Also called: Widened medullary cavities of bone, aortic calcification, abnormal dentition, and muscular weakness; Syndrome of widened medullary cavities of the metacarpals and phalanges, aortic calcification and abnormal dentition. Identifiers: Orphanet 85191, MedGen C4225427, MONDO:0024535, OMIM 182250.

Submission:

Labcorp Genetics (formerly Invitae), Labcorp
Classification: Uncertain significance for Aicardi-Goutieres syndrome 7; Singleton-Merten syndrome 1. Last evaluated: 2025-10-22. Review status: criteria provided, single submitter. Criteria: Invitae Variant Classification Sherloc (09022015). Collection method: clinical testing. Allele origin: germline.
Comment: This sequence change replaces leucine, which is neutral and non-polar, with proline, which is neutral and non-polar, at codon 421 of the IFIH1 protein (p.Leu421Pro). This variant is not present in population databases (gnomAD no frequency). This variant has not been reported in the literature in individuals affected with IFIH1-related conditions. Invitae Evidence Modeling of protein sequence and biophysical properties (such as structural, functional, and spatial information, amino acid conservation, physicochemical variation, residue mobility, and thermodynamic stability) has been performed for this missense variant. However, the output from this modeling did not meet the statistical confidence thresholds required to predict the impact of this variant on IFIH1 protein function. In summary, the available evidence is currently insufficient to determine the role of this variant in disease. Therefore, it has been classified as a Variant of Uncertain Significance.

NM_022168.4(IFIH1):c.1262T>C (p.Leu421Pro)

Gene: IFIH1 (interferon induced with helicase C domain 1; minus strand). Cytogenetic location: 2q24.2.
Variant type: single nucleotide variant.
Coding change: c.1262T>C on transcript NM_022168.4 (MANE Select); coding-DNA position 1262, T replaced by C.
Protein change: p.Leu421Pro; replaces leucine 421 with proline.
Molecular consequence: missense variant.
Genome position (GRCh38, 1-based): chr2:162,282,410, A>G on the plus strand (T>C on the coding strand, the complement: IFIH1 is on the minus strand). VCF-style: chr2-162282410-A-G. GRCh37 (hg19) VCF-style: chr2-163138920-A-G.
Other names: short protein forms L421P.
Identifiers: ClinVar variation 4794697 (VCV004794697.1).